The following is an entry in ClinVar:

NM_024675.4(PALB2):c.2290A>G (p.Lys764Glu)

Gene: PALB2 (partner and localizer of BRCA2; minus strand). Cytogenetic location: 16p12.2.
Variant type: single nucleotide variant.
Coding change: c.2290A>G on transcript NM_024675.4 (MANE Select); coding-DNA position 2290, A replaced by G.
Protein change: p.Lys764Glu; replaces lysine 764 with glutamic acid.
Molecular consequence: missense variant.
Genome position (GRCh38, 1-based): chr16:23,629,864, T>C on the plus strand (A>G on the coding strand, the complement: PALB2 is on the minus strand). VCF-style: chr16-23629864-T-C. GRCh37 (hg19) VCF-style: chr16-23641185-T-C.
Other names: short protein forms K764E.
Identifiers: ClinVar variation 460936 (VCV000460936.18), dbSNP rs573744591, ClinGen allele CA7963599.

ClinVar aggregate classification (germline): Conflicting classifications of pathogenicity. Review status: criteria provided, conflicting classifications (1 of 4 stars). 3 submissions from 3 submitters: Uncertain significance (2); Likely benign (1). Last evaluated 2025-10-07.

Conditions:
Hereditary cancer-predisposing syndrome. Also called: Neoplastic Syndromes, Hereditary; Hereditary Cancer Syndrome; Hereditary neoplastic syndrome; Tumor predisposition. Identifiers: Orphanet 140162, MedGen C0027672, MeSH D009386, MONDO:0015356.
Familial cancer of breast. Also called: BREAST CANCER, FAMILIAL; Hereditary breast cancer; hereditary breast carcinoma. Identifiers: Orphanet 227535, MedGen C0346153, MONDO:0016419, OMIM 114480. Disease mechanism: loss of function.

Allele frequency attached by ClinVar (database versions not stated): gnomAD exomes below 0.00001 and 0.00001; ExAC 0.00001; gnomAD 0.00001; TOPMed 0.00001.
gnomAD v4.1: 5 of 1,614,164 alleles (0.00031%); highest among the groups gnomAD compares: East Asian, 0.011%; no homozygotes.

Submissions (3):

Labcorp Genetics (formerly Invitae), Labcorp
Classification: Uncertain significance for Familial cancer of breast. Last evaluated: 2025-10-07. Review status: criteria provided, single submitter. Criteria: Invitae Variant Classification Sherloc (09022015). Collection method: clinical testing. Allele origin: germline.
Comment: This sequence change replaces lysine, which is basic and polar, with glutamic acid, which is acidic and polar, at codon 764 of the PALB2 protein (p.Lys764Glu). This variant is present in population databases (rs573744591, gnomAD 0.01%). This missense change has been observed in individual(s) with breast cancer (PMID: 28825143). ClinVar contains an entry for this variant (Variation ID: 460936). Invitae Evidence Modeling of protein sequence and biophysical properties (such as structural, functional, and spatial information, amino acid conservation, physicochemical variation, residue mobility, and thermodynamic stability) indicates that this missense variant is not expected to disrupt PALB2 protein function with a negative predictive value of 80%. In summary, the available evidence is currently insufficient to determine the role of this variant in disease. Therefore, it has been classified as a Variant of Uncertain Significance.

Ambry Genetics
Classification: Likely benign for Hereditary cancer-predisposing syndrome. Last evaluated: 2025-05-26. Review status: criteria provided, single submitter. Criteria: Ambry Variant Classification Scheme 2023. Collection method: clinical testing. Allele origin: germline.

Color Diagnostics, LLC DBA Color Health
Classification: Uncertain significance for Hereditary cancer-predisposing syndrome. Last evaluated: 2024-06-04. Review status: criteria provided, single submitter. Criteria: ACMG Guidelines, 2015. Collection method: clinical testing. Allele origin: germline.
Comment: This missense variant replaces lysine with glutamic acid at codon 764 of the PALB2 protein. Computational prediction suggests that this variant may not impact protein structure and function. To our knowledge, functional studies have not been reported for this variant. This variant has been detected in a breast cancer case-control meta-analysis in 1/60466 cases and 2/53461 unaffected individuals (PMID: 33471991; Leiden Open Variation Database DB-ID PALB2_010914). This variant has been identified in 2/251480 chromosomes in the general population by the Genome Aggregation Database (gnomAD). The available evidence is insufficient to determine the role of this variant in disease conclusively. Therefore, this variant is classified as a Variant of Uncertain Significance.

Literature cited by the submitters: PubMed 28825143 (cited by Labcorp Genetics (formerly Invitae), Labcorp and Ambry Genetics); PubMed 33471991 (cited by Ambry Genetics and Color Diagnostics, LLC DBA Color Health).